The following is an entry in ClinVar:

ClinVar aggregate classification (germline): Uncertain significance. Review status: criteria provided, multiple submitters, no conflicts (2 of 4 stars). 2 submissions from 2 submitters: Uncertain significance (2). Last evaluated 2024-09-17.

Conditions:
Hereditary cancer-predisposing syndrome. Also called: Hereditary Cancer Syndrome; Hereditary neoplastic syndrome; Neoplastic Syndromes, Hereditary; Tumor predisposition. Identifiers: Orphanet 140162, MedGen C0027672, MeSH D009386, MONDO:0015356.
Ataxia-telangiectasia syndrome (AT). Also called: LOUIS-BAR SYNDROME; Cerebello-oculocutaneous telangiectasia; Immunodeficiency with ataxia telangiectasia; Ataxia telangiectasia (A-T); ATAXIA-TELANGIECTASIA, COMPLEMENTATION GROUP A; ATAXIA-TELANGIECTASIA, FRESNO VARIANT. Identifiers: Orphanet 100, MedGen C0004135, MONDO:0008840, OMIM 208900.

Submissions (2):

Ambry Genetics
Classification: Uncertain significance for Hereditary cancer-predisposing syndrome. Last evaluated: 2024-09-17. Review status: criteria provided, single submitter. Criteria: Ambry Variant Classification Scheme 2023. Collection method: clinical testing. Allele origin: germline.
Comment: The p.G1663D variant (also known as c.4988G>A), located in coding exon 32 of the ATM gene, results from a G to A substitution at nucleotide position 4988. The glycine at codon 1663 is replaced by aspartic acid, an amino acid with similar properties. This variant was identified in 1 of 13087 breast cancer cases and 0 of 5488 control individuals in the UK (Decker B et al. J Med Genet, 2017 Nov;54:732-741). This amino acid position is highly conserved in available vertebrate species. In addition, the in silico prediction for this alteration is inconclusive. Based on the available evidence, the clinical significance of this variant remains unclear.

Labcorp Genetics (formerly Invitae), Labcorp
Classification: Uncertain significance for Ataxia-telangiectasia syndrome. Last evaluated: 2023-03-27. Review status: criteria provided, single submitter. Criteria: Invitae Variant Classification Sherloc (09022015). Collection method: clinical testing. Allele origin: germline.
Comment: In summary, the available evidence is currently insufficient to determine the role of this variant in disease. Therefore, it has been classified as a Variant of Uncertain Significance. An algorithm developed to predict the effect of missense changes on protein structure and function (PolyPhen-2) suggests that this variant is likely to be tolerated. This variant has not been reported in the literature in individuals affected with ATM-related conditions. This variant is not present in population databases (gnomAD no frequency). This sequence change replaces glycine, which is neutral and non-polar, with aspartic acid, which is acidic and polar, at codon 1663 of the ATM protein (p.Gly1663Asp).

Literature cited by the submitters: PubMed 28779002 (cited by Ambry Genetics).

NM_000051.4(ATM):c.4988G>A (p.Gly1663Asp)

Gene: ATM (ATM serine/threonine kinase; plus strand). Cytogenetic location: 11q22.3.
Variant type: single nucleotide variant.
Coding change: c.4988G>A on transcript NM_000051.4 (MANE Select); coding-DNA position 4988, G replaced by A.
Protein change: p.Gly1663Asp; replaces glycine 1663 with aspartic acid.
Molecular consequence: missense variant.
Genome position (GRCh38, 1-based): chr11:108,297,365, G>A. VCF-style: chr11-108297365-G-A. GRCh37 (hg19) VCF-style: chr11-108168092-G-A.
Other names: c.4988G>A, p.Gly1663Asp (NM_001351834.2); short protein forms G1663D.
Identifiers: ClinVar variation 2850042 (VCV002850042.4), dbSNP rs2083181210, ClinGen allele CA382538506.